The following is an entry in ClinVar:

NM_006648.4(WNK2):c.2173G>C (p.Ala725Pro)

Gene: WNK2 (WNK lysine deficient protein kinase 2; plus strand). Cytogenetic location: 9q22.31.
Variant type: single nucleotide variant.
Coding change: c.2173G>C on transcript NM_006648.4 (MANE Select); coding-DNA position 2173, G replaced by C.
Protein change: p.Ala725Pro; replaces alanine 725 with proline.
Molecular consequence: missense variant.
Genome position (GRCh38, 1-based): chr9:93,256,437, G>C. VCF-style: chr9-93256437-G-C. GRCh37 (hg19) VCF-style: chr9-96018719-G-C.
Other names: c.2173G>C, p.Ala725Pro (NM_001282394.3); short protein forms A725P.
Identifiers: ClinVar variation 3470086 (VCV003470086.1).

ClinVar aggregate classification (germline): Uncertain significance (1 of 4 stars; one submission).

gnomAD v4.1: 13 of 1,529,766 alleles (0.00085%); highest among the groups gnomAD compares: Non-Finnish European, 0.0011%; no homozygotes.

Submission:

Ambry Genetics
Classification: Uncertain significance. Last evaluated: 2024-10-05. Review status: criteria provided, single submitter. Criteria: Ambry Variant Classification Scheme 2023. Collection method: clinical testing. Allele origin: germline.
Comment: The p.A725P variant (also known as c.2173G>C), located in coding exon 9 of the WNK2 gene, results from a G to C substitution at nucleotide position 2173. The alanine at codon 725 is replaced by proline, an amino acid with highly similar properties. This amino acid position is conserved. In addition, this alteration is predicted to be tolerated by in silico analysis. Based on the available evidence, the clinical significance of this variant remains unclear.